The following is an entry in ClinVar:

ClinVar aggregate classification (germline): Uncertain significance (1 of 4 stars; one submission).

Conditions:
Alstrom syndrome (ALMS). Identifiers: Orphanet 64, MedGen C0268425, MONDO:0008763, OMIM 203800.

Submission:

Labcorp Genetics (formerly Invitae), Labcorp
Classification: Uncertain significance for Alstrom syndrome. Last evaluated: 2021-06-12. Review status: criteria provided, single submitter. Criteria: Invitae Variant Classification Sherloc (09022015). Collection method: clinical testing. Allele origin: germline.
Comment: This sequence change replaces valine with glycine at codon 2388 of the ALMS1 protein (p.Val2388Gly). The valine residue is moderately conserved and there is a moderate physicochemical difference between valine and glycine. The frequency data for this variant in the population databases is not available, as this variant may be reported as separate entries in the ExAC database. In summary, the available evidence is currently insufficient to determine the role of this variant in disease. Therefore, it has been classified as a Variant of Uncertain Significance. Experimental studies and prediction algorithms are not available or were not evaluated, and the functional significance of this variant is currently unknown. This variant has not been reported in the literature in individuals with ALMS1-related conditions.

NM_001378454.1(ALMS1):c.7160_7161delinsGT (p.Val2387Gly)

Gene: ALMS1 (ALMS1 centrosome and basal body associated protein; plus strand). Cytogenetic location: 2p13.1.
Variant type: Indel.
Coding change: c.7160_7161delinsGT on transcript NM_001378454.1 (MANE Select); coding-DNA positions 7160 to 7161, TA replaced by GT.
Protein change: p.Val2387Gly; replaces valine 2387 with glycine.
Molecular consequence: missense variant.
Genome position (GRCh38, 1-based): chr2:73,453,687-73,453,688, TA replaced by GT. VCF-style: chr2-73453687-TA-GT. GRCh37 (hg19) VCF-style: chr2-73680814-TA-GT.
Other names: c.7163_7164delinsGT, p.Val2388Gly (NM_015120.4); short protein forms V2387G, V2388G.
Identifiers: ClinVar variation 1360504 (VCV001360504.6), dbSNP rs2103792865, ClinGen allele CA2573135789.